The following is an entry in ClinVar:

NM_001377265.1(MAPT):c.121G>A (p.Ala41Thr)

Gene: MAPT (microtubule associated protein tau). Cytogenetic location: 17q21.31.
Variant type: single nucleotide variant.
Coding change: c.121G>A on transcript NM_001377265.1 (MANE Select); coding-DNA position 121, G replaced by A.
Protein change: p.Ala41Thr; replaces alanine 41 with threonine.
Molecular consequence: missense variant. On other transcripts: non-coding transcript variant (1).
Genome position (GRCh38, 1-based): chr17:45,962,458, G>A. VCF-style: chr17-45962458-G-A. GRCh37 (hg19) VCF-style: chr17-44039824-G-A.
Other names: c.121G>A, p.Ala41Thr (NM_001123066.4, NM_001123067.4, NM_001203251.2 and 8 more transcripts); short protein forms A41T.
Identifiers: ClinVar variation 1442775 (VCV001442775.6), dbSNP rs115239819, ClinGen allele CA8617517.

ClinVar aggregate classification (germline): Uncertain significance (1 of 4 stars; one submission).

Conditions:
Frontotemporal dementia (FTD1). Also called: Dementia, frontotemporal, with or without parkinsonism; Frontotemporal Dementia with Parkinsonism-17 (FTDP-17); WILHELMSEN-LYNCH DISEASE; FRONTOTEMPORAL DEMENTIA WITH PARKINSONISM; FRONTOTEMPORAL LOBE DEMENTIA; MULTIPLE SYSTEM TAUOPATHY WITH PRESENILE DEMENTIA. Identifiers: Orphanet 282, MedGen C0338451, MONDO:0017276, OMIM 600274, HP:0002145.

Allele frequency attached by ClinVar (database versions not stated): gnomAD 0.00001; TOPMed 0.00002; gnomAD exomes 0.00003 and 0.00004; ExAC 0.00005; 1000 Genomes Project 30x 0.00016; 1000 Genomes Project 0.00020.

Submission:

Labcorp Genetics (formerly Invitae), Labcorp
Classification: Uncertain significance for Frontotemporal dementia. Last evaluated: 2024-07-16. Review status: criteria provided, single submitter. Criteria: Invitae Variant Classification Sherloc (09022015). Collection method: clinical testing. Allele origin: germline.
Comment: This sequence change replaces alanine, which is neutral and non-polar, with threonine, which is neutral and polar, at codon 41 of the MAPT protein (p.Ala41Thr). This variant is present in population databases (rs115239819, gnomAD 0.007%). This missense change has been observed in individual(s) with Alzheimer disease (PMID: 25604855, 29525180, 36133075). ClinVar contains an entry for this variant (Variation ID: 1442775). An algorithm developed to predict the effect of missense changes on protein structure and function outputs the following: PolyPhen-2: "Benign". The threonine amino acid residue is found in multiple mammalian species, which suggests that this missense change does not adversely affect protein function. In summary, the available evidence is currently insufficient to determine the role of this variant in disease. Therefore, it has been classified as a Variant of Uncertain Significance.

Literature cited by the submitters: PubMed 25604855; PubMed 29525180; PubMed 36133075.